The following is an entry in ClinVar:

NC_000009.11:g.(?_131395931)_(131399307_131402969)dup

Genes: DYNC2I2 (dynein 2 intermediate chain 2; minus strand), SPTAN1 (spectrin alpha, non-erythrocytic 1; plus strand). Cytogenetic location: 9q34.11.
Variant type: Duplication.
Identifiers: ClinVar variation 4847950 (VCV004847950.1).

ClinVar aggregate classification (germline): Uncertain significance (1 of 4 stars; one submission).

Submission:

Women's Health and Genetics/Laboratory Corporation of America, LabCorp
Classification: Uncertain significance. Last evaluated: 2026-02-09. Review status: criteria provided, single submitter. Criteria: LabCorp Variant Classification Summary - May 2015. Collection method: clinical testing. Allele origin: germline.
Comment: Variant summary: The variant involves the duplication of exons 3-9 in the DYNC2I2 (also known as WDR34) gene. A presumed nomenclature of c.(435+1_436-1)_(*92_?)dup has been designated for the purposes of this classification. The exact breakpoint at the 3' end of this variant is unknown, therefore this duplication may extend downstream of the annotated region of the gene. As it duplicates the termination codon, its effect on the encoded protein is unknown. A similar large duplication allele was found at a frequency of 1.5e-05 in 462883 control chromosomes in the gnomAD database (CNVs v4.1 dataset). The available data on variant occurrences in the general population are insufficient to allow any conclusion about variant significance. To our knowledge, no occurrence of c.(435+1_436-1)_(*92_?)dup in individuals affected with DYNC2I2-related conditions and no experimental evidence demonstrating its impact on protein function have been reported. ClinVar contains an entry for this variant (Variation ID: 583833). Based on the evidence outlined above, the variant was classified as uncertain significance.